The following is an entry in ClinVar:

ClinVar aggregate classification (germline): Uncertain significance (1 of 4 stars; one submission).

Conditions:
Hereditary cancer-predisposing syndrome. Also called: Neoplastic Syndromes, Hereditary; Tumor predisposition; Hereditary Cancer Syndrome; Hereditary neoplastic syndrome. Identifiers: Orphanet 140162, MedGen C0027672, MeSH D009386, MONDO:0015356.

Submission:

Ambry Genetics
Classification: Uncertain significance for Hereditary cancer-predisposing syndrome. Last evaluated: 2024-06-30. Review status: criteria provided, single submitter. Criteria: Ambry Variant Classification Scheme 2023. Collection method: clinical testing. Allele origin: germline.
Comment: The p.Q701R variant (also known as c.2102A>G), located in coding exon 11 of the BARD1 gene, results from an A to G substitution at nucleotide position 2102. The glutamine at codon 701 is replaced by arginine, an amino acid with highly similar properties. This amino acid position is conserved. In addition, this alteration is predicted to be tolerated by in silico analysis. Since supporting evidence is limited at this time, the clinical significance of this alteration remains unclear.

NM_000465.4(BARD1):c.2102A>G (p.Gln701Arg)

Gene: BARD1 (BRCA1 associated RING domain 1; minus strand). Cytogenetic location: 2q35.
Variant type: single nucleotide variant.
Coding change: c.2102A>G on transcript NM_000465.4 (MANE Select); coding-DNA position 2102, A replaced by G.
Protein change: p.Gln701Arg; replaces glutamine 701 with arginine.
Molecular consequence: missense variant. On other transcripts: non-coding transcript variant (3).
Genome position (GRCh38, 1-based): chr2:214,728,908, T>C on the plus strand (A>G on the coding strand, the complement: BARD1 is on the minus strand). VCF-style: chr2-214728908-T-C. GRCh37 (hg19) VCF-style: chr2-215593632-T-C.
Other names: c.2045A>G, p.Gln682Arg (NM_001282543.2); c.749A>G, p.Gln250Arg (NM_001282545.2); c.692A>G, p.Gln231Arg (NM_001282548.2); c.563A>G, p.Gln188Arg (NM_001282549.2); short protein forms Q701R, Q188R, Q231R, Q250R, Q682R.
Identifiers: ClinVar variation 1785938 (VCV001785938.3), dbSNP rs1553612182, ClinGen allele CA350450617.